The following is an entry in ClinVar:

NM_006514.4(SCN10A):c.3682-206A>T

Gene: SCN10A (sodium voltage-gated channel alpha subunit 10; minus strand). Cytogenetic location: 3p22.2.
Variant type: single nucleotide variant.
Coding change: c.3682-206A>T on transcript NM_006514.4 (MANE Select); 206 bases into the intron before coding-DNA position 3682, A replaced by T.
Molecular consequence: intron variant.
Genome position (GRCh38, 1-based): chr3:38,714,286, T>A on the plus strand (A>T on the coding strand, the complement: SCN10A is on the minus strand). VCF-style: chr3-38714286-T-A. GRCh37 (hg19) VCF-style: chr3-38755777-T-A.
Other names: NC_000003.11:g.38755777T>A; c.3388-206A>T (NM_001293307.2); c.3679-206A>T (NM_001293306.2).
Identifiers: ClinVar variation 674525 (VCV000674525.2), dbSNP rs6796459, ClinGen allele CA11529570.
Genomic context (GRCh38, chr3:38,714,286, plus strand): 5'-AGAGGTCTAGAAAGAGTTTTGTCTCTTCCCTTTTATTAAAAATTTTATTCACCACTCTCT[T>A]AAACAATCTGGGCAAGAAAAACTCAGTCTCTAACATCACCAACCTCTGGTACGTAGGTGG-3'

ClinVar aggregate classification (germline): Benign (1 of 4 stars; one submission).

Allele frequency attached by ClinVar (database versions not stated): gnomAD 0.07601 and 0.07121; 1000 Genomes Project 30x 0.07776; 1000 Genomes Project 0.07408; TOPMed 0.08101.
gnomAD v4.1: 10,785 of 152,212 alleles (7.1%); highest among the groups gnomAD compares: African/African-American, 22%; 1,084 homozygotes.

Submissions (2):

GeneDx
Classification: Benign. Last evaluated: 2018-06-14. Review status: criteria provided, single submitter. Criteria: GeneDx Variant Classification (06012015). Collection method: clinical testing. Allele origin: germline. Affected: yes.
Comment: This variant is considered likely benign or benign based on one or more of the following criteria: it is a conservative change, it occurs at a poorly conserved position in the protein, it is predicted to be benign by multiple in silico algorithms, and/or has population frequency not consistent with disease.

Dr. Peter K. Rogan Lab, Western University
No classification provided (evidence only). Condition: Uterine carcinosarcoma. Review status: no classification provided. Collection method: in vitro. Allele origin: not applicable. Functional consequence: retained intron. Not counted in ClinVar's aggregate classification.